The following is an entry in ClinVar:

NM_014855.3(AP5Z1):c.2033T>A (p.Leu678Gln)

Gene: AP5Z1 (adaptor related protein complex 5 subunit zeta 1; plus strand). Cytogenetic location: 7p22.1.
Variant type: single nucleotide variant.
Coding change: c.2033T>A on transcript NM_014855.3 (MANE Select); coding-DNA position 2033, T replaced by A.
Protein change: p.Leu678Gln; replaces leucine 678 with glutamine.
Molecular consequence: missense variant. On other transcripts: non-coding transcript variant (1).
Genome position (GRCh38, 1-based): chr7:4,790,767, T>A. VCF-style: chr7-4790767-T-A. GRCh37 (hg19) VCF-style: chr7-4830398-T-A.
Other names: c.1565T>A, p.Leu522Gln (NM_001364858.1); short protein forms L522Q, L678Q.
Identifiers: ClinVar variation 2083764 (VCV002083764.4), dbSNP rs1335010003, ClinGen allele CA366664818.
Genomic context (GRCh38, chr7:4,790,767, plus strand): 5'-ACGATCGGAGGTGCACCGTGGAGCAGATCAACAAGTTCTTCGAAGCCCTGGAGGCTCTGC[T>A]ATTCGAGGTCACCCAGTGCCGCCCCTCTGCTGCCCTGCCCAGGTGTCCCCCCCAGGTGGT-3'
Protein context (NP_055670.1, residues 668-688): NKFFEALEAL[Leu678Gln]FEVTQCRPSA

ClinVar aggregate classification (germline): Uncertain significance (1 of 4 stars; one submission).

Conditions:
Hereditary spastic paraplegia 48. Also called: SPASTIC PARAPLEGIA 48, AUTOSOMAL RECESSIVE; Spastic paraplegia 48. Identifiers: Orphanet 306511, MedGen C3150901, MONDO:0013342, OMIM 613647.

Submission:

Labcorp Genetics (formerly Invitae), Labcorp
Classification: Uncertain significance for Hereditary spastic paraplegia 48. Last evaluated: 2022-06-18. Review status: criteria provided, single submitter. Criteria: Invitae Variant Classification Sherloc (09022015). Collection method: clinical testing. Allele origin: germline.
Comment: This variant is not present in population databases (gnomAD no frequency). This sequence change replaces leucine, which is neutral and non-polar, with glutamine, which is neutral and polar, at codon 678 of the AP5Z1 protein (p.Leu678Gln). This variant has not been reported in the literature in individuals affected with AP5Z1-related conditions. In summary, the available evidence is currently insufficient to determine the role of this variant in disease. Therefore, it has been classified as a Variant of Uncertain Significance. Algorithms developed to predict the effect of missense changes on protein structure and function are either unavailable or do not agree on the potential impact of this missense change (SIFT: "Deleterious"; PolyPhen-2: "Probably Damaging"; Align-GVGD: "Class C0").